The following is an entry in ClinVar:

NM_000562.3(C8A):c.1288T>C (p.Trp430Arg)

Gene: C8A (complement C8 alpha chain; plus strand). Cytogenetic location: 1p32.2.
Variant type: single nucleotide variant.
Coding change: c.1288T>C on transcript NM_000562.3 (MANE Select); coding-DNA position 1288, T replaced by C.
Protein change: p.Trp430Arg; replaces tryptophan 430 with arginine.
Molecular consequence: missense variant.
Genome position (GRCh38, 1-based): chr1:56,908,021, T>C. VCF-style: chr1-56908021-T-C. GRCh37 (hg19) VCF-style: chr1-57373694-T-C.
Other names: short protein forms W430R.
Identifiers: ClinVar variation 1471340 (VCV001471340.8), dbSNP rs2101300475, ClinGen allele CA340514210.

ClinVar aggregate classification (germline): Uncertain significance (1 of 4 stars; one submission).

Submission:

Labcorp Genetics (formerly Invitae), Labcorp
Classification: Uncertain significance. Last evaluated: 2021-12-22. Review status: criteria provided, single submitter. Criteria: Invitae Variant Classification Sherloc (09022015). Collection method: clinical testing. Allele origin: germline.
Comment: This sequence change replaces tryptophan, which is neutral and slightly polar, with arginine, which is basic and polar, at codon 430 of the C8A protein (p.Trp430Arg). This variant is not present in population databases (gnomAD no frequency). This variant has not been reported in the literature in individuals affected with C8A-related conditions. Algorithms developed to predict the effect of missense changes on protein structure and function (SIFT, PolyPhen-2, Align-GVGD) all suggest that this variant is likely to be tolerated. In summary, the available evidence is currently insufficient to determine the role of this variant in disease. Therefore, it has been classified as a Variant of Uncertain Significance.